The following is an entry in ClinVar:

ClinVar aggregate classification (germline): Uncertain significance (1 of 4 stars; one submission).

Conditions:
Inborn genetic diseases. Identifiers: MedGen C0950123, MeSH D030342.

Allele frequency attached by ClinVar (database versions not stated): gnomAD exomes below 0.00001.
gnomAD v4.1: 5 of 1,614,020 alleles (0.00031%); highest among the groups gnomAD compares: Non-Finnish European, 0.00042%; no homozygotes.

Submission:

Ambry Genetics
Classification: Uncertain significance for Inborn genetic diseases. Last evaluated: 2021-03-28. Review status: criteria provided, single submitter. Criteria: Ambry Variant Classification Scheme 2023. Collection method: clinical testing. Allele origin: germline.
Comment: The p.L290F variant (also known as c.868C>T), located in coding exon 6 of the SLC5A7 gene, results from a C to T substitution at nucleotide position 868. The leucine at codon 290 is replaced by phenylalanine, an amino acid with highly similar properties. This amino acid position is well conserved in available vertebrate species. In addition, the in silico prediction for this alteration is inconclusive. Since supporting evidence is limited at this time, the clinical significance of this alteration remains unclear.

NM_021815.5(SLC5A7):c.868C>T (p.Leu290Phe)

Gene: SLC5A7 (solute carrier family 5 member 7; plus strand). Cytogenetic location: 2q12.3.
Variant type: single nucleotide variant.
Coding change: c.868C>T on transcript NM_021815.5 (MANE Select); coding-DNA position 868, C replaced by T.
Protein change: p.Leu290Phe; replaces leucine 290 with phenylalanine.
Molecular consequence: missense variant.
Genome position (GRCh38, 1-based): chr2:108,006,175, C>T. VCF-style: chr2-108006175-C-T. GRCh37 (hg19) VCF-style: chr2-108622631-C-T.
Other names: c.868C>T, p.Leu290Phe (NM_001305005.3); c.553C>T, p.Leu185Phe (NM_001305006.3); c.127C>T, p.Leu43Phe (NM_001305007.3); short protein forms L185F, L290F, L43F.
Identifiers: ClinVar variation 1764313 (VCV001764313.2), dbSNP rs2467118106, ClinGen allele CA348113305.
Genomic context (GRCh38, chr2:108,006,175, plus strand): 5'-GCTCAAGTGCTGTCCTTCCTGGCAGCTTTCGGGTGCCTGGTGATGGCCATCCCAGCCATA[C>T]TCATTGGGGCCATTGGAGCATCAACAGGTAAATCTCTTGCAGCTTCACCACATGTGCCAG-3'
Protein context (NP_068587.1, residues 280-300): GCLVMAIPAI[Leu290Phe]IGAIGASTDW